The following is an entry in ClinVar:

ClinVar aggregate classification (germline): Uncertain significance (1 of 4 stars; one submission).

Allele frequency attached by ClinVar (database versions not stated): gnomAD exomes 0.00001; ExAC 0.00006; TOPMed 0.00008; gnomAD 0.00010; 1000 Genomes Project 30x 0.00078; 1000 Genomes Project 0.00080.
gnomAD v4.1: 47 of 1,613,540 alleles (0.0029%); highest among the groups gnomAD compares: East Asian, 0.031%; no homozygotes.

Submissions (2):

Labcorp Genetics (formerly Invitae), Labcorp
Classification: Uncertain significance. Last evaluated: 2023-12-11. Review status: criteria provided, single submitter. Criteria: Invitae Variant Classification Sherloc (09022015). Collection method: clinical testing. Allele origin: germline.
Comment: This sequence change replaces lysine, which is basic and polar, with arginine, which is basic and polar, at codon 1315 of the NIN protein (p.Lys1315Arg). This variant is present in population databases (rs201633119, gnomAD 0.05%). This variant has not been reported in the literature in individuals affected with NIN-related conditions. ClinVar contains an entry for this variant (Variation ID: 2179439). Algorithms developed to predict the effect of missense changes on protein structure and function output the following: SIFT: "Not Available"; PolyPhen-2: "Benign"; Align-GVGD: "Not Available". The arginine amino acid residue is found in multiple mammalian species, which suggests that this missense change does not adversely affect protein function. In summary, the available evidence is currently insufficient to determine the role of this variant in disease. Therefore, it has been classified as a Variant of Uncertain Significance.

Dr. Peter K. Rogan Lab, Western University
No classification provided (evidence only). Condition: Thyroid cancer, nonmedullary, 1. Review status: no classification provided. Collection method: in vitro. Allele origin: not applicable. Functional consequence: retained intron. Not counted in ClinVar's aggregate classification.

NM_020921.4(NIN):c.3944A>G (p.Lys1315Arg)

Gene: NIN (ninein; minus strand). Cytogenetic location: 14q22.1.
Variant type: single nucleotide variant.
Coding change: c.3944A>G on transcript NM_020921.4 (MANE Select); coding-DNA position 3944, A replaced by G.
Protein change: p.Lys1315Arg; replaces lysine 1315 with arginine.
Molecular consequence: missense variant. On other transcripts: intron variant (1).
Genome position (GRCh38, 1-based): chr14:50,757,086, T>C on the plus strand (A>G on the coding strand, the complement: NIN is on the minus strand). VCF-style: chr14-50757086-T-C. GRCh37 (hg19) VCF-style: chr14-51223804-T-C.
Other names: c.3944A>G, p.Lys1315Arg (NM_182944.3, NM_182946.2); c.2400-2219A>G (NM_016350.5); short protein forms K1315R.
Identifiers: ClinVar variation 2179439 (VCV002179439.5), dbSNP rs201633119, ClinGen allele CA7181650.